The following is an entry in ClinVar:

ClinVar aggregate classification (germline): Likely pathogenic (1 of 4 stars; one submission).

Conditions:
Hermansky-Pudlak syndrome 1 (HPS1). Also called: DELTA STORAGE POOL DISEASE. Identifiers: Orphanet 231500, Orphanet 79430, MedGen C2931875, MONDO:0008748, OMIM 203300.

Submission:

Juno Genomics, Hangzhou Juno Genomics, Inc
Classification: Likely pathogenic for Hermansky-Pudlak syndrome 1. Review status: criteria provided, single submitter. Criteria: ACMG Guidelines, 2015. Collection method: clinical testing. Allele origin: germline.
Comment: Null variant in a gene where loss of function (LOF) is a known mechanism of disease.;Absent from controls (or at extremely low frequency if recessive) in Genome Aggregation Database.

NM_000195.5(HPS1):c.10_11del (p.Val4fs)

Gene: HPS1 (HPS1 biogenesis of lysosomal organelles complex 3 subunit 1; minus strand). Cytogenetic location: 10q24.2.
Variant type: Deletion.
Coding change: c.10_11del on transcript NM_000195.5 (MANE Select); coding-DNA positions 10 to 11, 2 bases deleted (GT; older notation c.10_11delGT).
Protein change: p.Val4fs; shifts the reading frame from valine 4.
Molecular consequence: frameshift variant. On other transcripts: 5 prime UTR variant (6).
Genome position (GRCh38, 1-based): chr10:98,443,230-98,443,231, AC deleted on the plus strand (GT on the coding strand, the reverse complement: HPS1 is on the minus strand). VCF-style (leftmost placement, unchanged base first): chr10-98443229-GAC-G. GRCh37 (hg19) VCF-style: chr10-100202986-GAC-G.
Other names: c.-907_-906del (NM_001311345.2); c.10_11del, p.Val4fs (NM_001322476.2, NM_001322477.2, NM_001322478.2 and 8 more transcripts); c.-217_-216del (NM_001322483.2, NM_001322484.2, NM_001322485.2); c.-1006_-1005del (NM_001322487.2); c.-764_-763del (NM_001322489.2); short protein forms V4fs.
Identifiers: ClinVar variation 5007756 (VCV005007756.2).
Genomic context (GRCh38, chr10:98,443,229, plus strand): 5'-CTCTTCAAACTCCTGATCTGTCCAGTAGAAGAGGACCTCTGCGCCCTCAGTGGCCACCAA[GAC>G]GCACTTCATCTGCCAGGGAAAGGCAAGGTCAAGGTCAGCCTCCAGCCCCAACATCTATGA-3'